The following is an entry in ClinVar:

NM_000163.5(GHR):c.602A>G (p.Glu201Gly)

Gene: GHR (growth hormone receptor; plus strand). Cytogenetic location: 5p12.
Variant type: single nucleotide variant.
Coding change: c.602A>G on transcript NM_000163.5 (MANE Select); coding-DNA position 602, A replaced by G.
Protein change: p.Glu201Gly; replaces glutamic acid 201 with glycine.
Molecular consequence: missense variant.
Genome position (GRCh38, 1-based): chr5:42,699,986, A>G. VCF-style: chr5-42699986-A-G. GRCh37 (hg19) VCF-style: chr5-42700088-A-G.
Other names: c.623A>G, p.Glu208Gly (NM_001242399.2); c.602A>G, p.Glu201Gly (NM_001242400.2, NM_001242401.4, NM_001242402.2 and 5 more transcripts); c.536A>G, p.Glu179Gly (NM_001242460.2); short protein forms E179G, E201G, E208G.
Identifiers: ClinVar variation 2419066 (VCV002419066.3), dbSNP rs760622127, ClinGen allele CA3254437.

ClinVar aggregate classification (germline): Uncertain significance (1 of 4 stars; one submission).

Allele frequency attached by ClinVar (database versions not stated): ExAC 0.00002; gnomAD 0.00002; TOPMed 0.00002; gnomAD exomes 0.00010.
gnomAD v4.1: 145 of 1,597,274 alleles (0.0091%); highest among the groups gnomAD compares: Non-Finnish European, 0.012%; no homozygotes.

Submission:

Labcorp Genetics (formerly Invitae), Labcorp
Classification: Uncertain significance. Last evaluated: 2022-07-13. Review status: criteria provided, single submitter. Criteria: Invitae Variant Classification Sherloc (09022015). Collection method: clinical testing. Allele origin: germline.
Comment: This sequence change replaces glutamic acid, which is acidic and polar, with glycine, which is neutral and non-polar, at codon 201 of the GHR protein (p.Glu201Gly). This variant is present in population databases (rs760622127, gnomAD 0.008%). This variant has not been reported in the literature in individuals affected with GHR-related conditions. Algorithms developed to predict the effect of missense changes on protein structure and function are either unavailable or do not agree on the potential impact of this missense change (SIFT: "Deleterious"; PolyPhen-2: "Possibly Damaging"; Align-GVGD: "Class C0"). In summary, the available evidence is currently insufficient to determine the role of this variant in disease. Therefore, it has been classified as a Variant of Uncertain Significance.